The following is an entry in ClinVar:

NM_001386298.1(CIC):c.2781C>T (p.Gly927=)

Gene: CIC (capicua transcriptional repressor; plus strand). Cytogenetic location: 19q13.2.
Variant type: single nucleotide variant.
Coding change: c.2781C>T on transcript NM_001386298.1 (MANE Select); coding-DNA position 2781, C replaced by T.
Protein change: p.Gly927=; no amino-acid change (glycine 927 retained).
Molecular consequence: synonymous variant.
Genome position (GRCh38, 1-based): chr19:42,274,564, C>T. VCF-style: chr19-42274564-C-T. GRCh37 (hg19) VCF-style: chr19-42778716-C-T.
Other names: c.2781C>T, p.Gly927= (NM_001304815.2, NM_001379480.1, NM_001379482.1).
Identifiers: ClinVar variation 3772531 (VCV003772531.13).

ClinVar aggregate classification (germline): Likely benign (1 of 4 stars; one submission).

Submission:

CeGaT Center for Human Genetics Tuebingen
Classification: Likely benign. Last evaluated: 2025-02-01. Review status: criteria provided, single submitter. Criteria: CeGaT Center For Human Genetics Tuebingen Variant Classification Criteria Version 2. Collection method: clinical testing. Allele origin: germline. Affected: yes. Observed: 1 variant allele.
Comment: CIC: BP4, BP7